The following is an entry in ClinVar:

ClinVar aggregate classification (germline): Uncertain significance (1 of 4 stars; one submission).

Allele frequency attached by ClinVar (database versions not stated): gnomAD exomes 0.00002 and 0.00004; gnomAD 0.00003 and 0.00004; TOPMed 0.00004; ExAC 0.00006.
gnomAD v4.1: 35 of 1,611,456 alleles (0.0022%); highest among the groups gnomAD compares: Admixed American, 0.0033%; no homozygotes.

Submission:

Labcorp Genetics (formerly Invitae), Labcorp
Classification: Uncertain significance. Last evaluated: 2025-08-08. Review status: criteria provided, single submitter. Criteria: Invitae Variant Classification Sherloc (09022015). Collection method: clinical testing. Allele origin: germline.
Comment: This sequence change replaces arginine, which is basic and polar, with glutamine, which is neutral and polar, at codon 1012 of the NLRP1 protein (p.Arg1012Gln). This variant is present in population databases (rs201719364, gnomAD 0.05%). This variant has not been reported in the literature in individuals affected with NLRP1-related conditions. ClinVar contains an entry for this variant (Variation ID: 1467444). An algorithm developed to predict the effect of missense changes on protein structure and function outputs the following: PolyPhen-2: "Benign". The glutamine amino acid residue is found in multiple mammalian species, which suggests that this missense change does not adversely affect protein function. In summary, the available evidence is currently insufficient to determine the role of this variant in disease. Therefore, it has been classified as a Variant of Uncertain Significance.

NM_033004.4(NLRP1):c.3035G>A (p.Arg1012Gln)

Gene: NLRP1 (NLR family pyrin domain containing 1; minus strand). Cytogenetic location: 17p13.2.
Variant type: single nucleotide variant.
Coding change: c.3035G>A on transcript NM_033004.4 (MANE Select); coding-DNA position 3035, G replaced by A.
Protein change: p.Arg1012Gln; replaces arginine 1012 with glutamine.
Molecular consequence: missense variant.
Genome position (GRCh38, 1-based): chr17:5,533,914, C>T on the plus strand (G>A on the coding strand, the complement: NLRP1 is on the minus strand). VCF-style: chr17-5533914-C-T. GRCh37 (hg19) VCF-style: chr17-5437234-C-T.
Other names: c.3035G>A, p.Arg1012Gln (NM_001033053.3, NM_014922.5); c.2945G>A, p.Arg982Gln (NM_033006.4, NM_033007.4); short protein forms R1012Q, R982Q.
Identifiers: ClinVar variation 1467444 (VCV001467444.6), dbSNP rs201719364, ClinGen allele CA8326960.